The following is an entry in ClinVar:

ClinVar aggregate classification (germline): Uncertain significance. Review status: criteria provided, multiple submitters, no conflicts (2 of 4 stars). 2 submissions from 2 submitters: Uncertain significance (2). Last evaluated 2024-11-19.

Allele frequency attached by ClinVar (database versions not stated): gnomAD exomes below 0.00001; ExAC 0.00001; TOPMed 0.00001.
gnomAD v4.1: 6 of 1,612,684 alleles (0.00037%); highest among the groups gnomAD compares: Non-Finnish European, 0.00051%; no homozygotes.

Submissions (2):

Women's Health and Genetics/Laboratory Corporation of America, LabCorp
Classification: Uncertain significance. Last evaluated: 2024-11-19. Review status: criteria provided, single submitter. Criteria: LabCorp Variant Classification Summary - May 2015. Collection method: clinical testing. Allele origin: germline.
Comment: Variant summary: COL9A3 c.1709C>T (p.Ser570Phe) results in a non-conservative amino acid change in the encoded protein sequence. Five of five in-silico tools predict a damaging effect of the variant on protein function. The variant allele was found at a frequency of 4e-06 in 248742 control chromosomes (gnomAD). The available data on variant occurrences in the general population are insufficient to allow any conclusion about variant significance. To our knowledge, no occurrence of c.1709C>T in individuals affected with Epiphyseal Dysplasia, Multiple, 3 and no experimental evidence demonstrating its impact on protein function have been reported. ClinVar contains an entry for this variant (Variation ID: 2965960). Based on the evidence outlined above, the variant was classified as uncertain significance.

Labcorp Genetics (formerly Invitae), Labcorp
Classification: Uncertain significance. Last evaluated: 2024-01-08. Review status: criteria provided, single submitter. Criteria: Invitae Variant Classification Sherloc (09022015). Collection method: clinical testing. Allele origin: germline.
Comment: This sequence change replaces serine, which is neutral and polar, with phenylalanine, which is neutral and non-polar, at codon 570 of the COL9A3 protein (p.Ser570Phe). This variant is present in population databases (rs772379246, gnomAD 0.0009%). This variant has not been reported in the literature in individuals affected with COL9A3-related conditions. Advanced modeling of protein sequence and biophysical properties (such as structural, functional, and spatial information, amino acid conservation, physicochemical variation, residue mobility, and thermodynamic stability) performed at Invitae indicates that this missense variant is not expected to disrupt COL9A3 protein function with a negative predictive value of 95%. In summary, the available evidence is currently insufficient to determine the role of this variant in disease. Therefore, it has been classified as a Variant of Uncertain Significance.

NM_001853.4(COL9A3):c.1709C>T (p.Ser570Phe)

Gene: COL9A3 (collagen type IX alpha 3 chain; plus strand). Cytogenetic location: 20q13.33.
Variant type: single nucleotide variant.
Coding change: c.1709C>T on transcript NM_001853.4 (MANE Select); coding-DNA position 1709, C replaced by T.
Protein change: p.Ser570Phe; replaces serine 570 with phenylalanine.
Molecular consequence: missense variant.
Genome position (GRCh38, 1-based): chr20:62,837,188, C>T. VCF-style: chr20-62837188-C-T. GRCh37 (hg19) VCF-style: chr20-61468540-C-T.
Other names: short protein forms S570F.
Identifiers: ClinVar variation 2965960 (VCV002965960.4), dbSNP rs772379246, ClinGen allele CA9950163.